The following is an entry in ClinVar:

ClinVar aggregate classification (germline): Benign. Review status: criteria provided, multiple submitters, no conflicts (2 of 4 stars). 4 submissions from 4 submitters: Benign (4). Last evaluated 2024-11-28.

Conditions:
Neurodevelopmental disorder with microcephaly, cataracts, and renal abnormalities. Identifiers: MedGen C4693567, MONDO:0060664, OMIM 617913.

Allele frequency attached by ClinVar (database versions not stated): gnomAD exomes 0.82957 and 0.84566; ExAC 0.84788; gnomAD 0.86596 and 0.86634; ESP Exome Variant Server 0.86679; TOPMed 0.87415; 1000 Genomes Project 0.89217; 1000 Genomes Project 30x 0.89241.
gnomAD v4.1: 1,343,043 of 1,610,110 alleles (83%); highest among the groups gnomAD compares: African/African-American, 96%; 561,509 homozygotes.

Submissions (4):

Blueprint Genetics
Classification: Benign. Last evaluated: 2024-11-28. Review status: criteria provided, single submitter. Criteria: ACMG Guidelines, 2015. Collection method: clinical testing. Allele origin: germline.

Genome-Nilou Lab
Classification: Benign for Neurodevelopmental disorder with microcephaly, cataracts, and renal abnormalities. Last evaluated: 2021-07-14. Review status: criteria provided, single submitter. Criteria: ACMG Guidelines, 2015. Collection method: clinical testing. Allele origin: germline. Affected: no.

GeneDx
Classification: Benign. Last evaluated: 2020-11-03. Review status: criteria provided, single submitter. Criteria: GeneDx Variant Classification Process June 2021. Collection method: clinical testing. Allele origin: germline. Affected: yes.
Comment: This variant is associated with the following publications: (PMID: 21118967)

Breakthrough Genomics
Classification: Benign. Review status: criteria provided, single submitter. Criteria: ACMG Guidelines, 2015. Collection method: not provided. Allele origin: germline. Inheritance: Autosomal recessive inheritance. Affected: yes.

NM_015721.3(GEMIN4):c.2785G>A (p.Asp929Asn)

Gene: GEMIN4 (gem nuclear organelle associated protein 4; minus strand). Cytogenetic location: 17p13.3.
Variant type: single nucleotide variant.
Coding change: c.2785G>A on transcript NM_015721.3 (MANE Select); coding-DNA position 2785, G replaced by A.
Protein change: p.Asp929Asn; replaces aspartic acid 929 with asparagine.
Molecular consequence: missense variant.
Genome position (GRCh38, 1-based): chr17:745,258, C>T on the plus strand (G>A on the coding strand, the complement: GEMIN4 is on the minus strand). VCF-style: chr17-745258-C-T. GRCh37 (hg19) VCF-style: chr17-648498-C-T.
Other names: c.2785G>A (NM_015721.2); short protein forms D929N.
Identifiers: ClinVar variation 1185306 (VCV001185306.7), dbSNP rs2740349, ClinGen allele CA8262358.